The following is an entry in ClinVar:

NM_000051.4(ATM):c.7654C>A (p.His2552Asn)

Genes: C11orf65 (chromosome 11 open reading frame 65; minus strand), ATM (ATM serine/threonine kinase; plus strand). Cytogenetic location: 11q22.3.
Variant type: single nucleotide variant.
Coding change: c.7654C>A on transcript NM_000051.4 (MANE Select); coding-DNA position 7654, C replaced by A.
Protein change: p.His2552Asn; replaces histidine 2552 with asparagine.
Molecular consequence: missense variant. On other transcripts: intron variant (2).
Genome position (GRCh38, 1-based): chr11:108,331,903, C>A. VCF-style: chr11-108331903-C-A. GRCh37 (hg19) VCF-style: chr11-108202630-C-A.
Other names: c.*38+3317G>T (NM_001351110.2); c.7654C>A, p.His2552Asn (NM_001351834.2); c.641-22832G>T (NM_001330368.2); short protein forms H2552N.
Identifiers: ClinVar variation 185440 (VCV000185440.18), dbSNP rs786202174, ClinGen allele CA191960.

ClinVar aggregate classification (germline): Uncertain significance. Review status: criteria provided, multiple submitters, no conflicts (2 of 4 stars). 5 submissions from 4 submitters: Uncertain significance (3). 2 of the submissions do not count toward it. Last evaluated 2025-01-23.

Conditions:
ATM-related cancer predisposition. Also called: ATM-related cancer susceptibility. Identifiers: MedGen CN377759, MONDO:0700270.
Malignant tumor of thyroid gland. Also called: Thyroid cancer. Identifiers: MedGen C0007115, MONDO:0002108.
Hereditary cancer-predisposing syndrome. Also called: Hereditary Cancer Syndrome; Tumor predisposition; Neoplastic Syndromes, Hereditary; Hereditary neoplastic syndrome. Identifiers: Orphanet 140162, MedGen C0027672, MeSH D009386, MONDO:0015356.
Malignant tumor of breast. Also called: Malignant breast neoplasm; Cancer breast. Identifiers: MedGen C0006142, MONDO:0007254. Disease mechanism: loss of function.
Ataxia-telangiectasia syndrome (AT). Also called: ATAXIA-TELANGIECTASIA, COMPLEMENTATION GROUP A; ATAXIA-TELANGIECTASIA, FRESNO VARIANT; Ataxia-telangiectasia; Ataxia-telangiectasia, complementation group E; Cerebello-oculocutaneous telangiectasia; Immunodeficiency with ataxia telangiectasia. Identifiers: Orphanet 100, MedGen C0004135, MONDO:0008840, OMIM 208900.

Submissions (5):

Hema, HEMA – Genetic and Molecular Diagnostic Laboratory
Classification: Uncertain significance for ATM-related cancer predisposition. Last evaluated: 2025-01-23. Review status: criteria provided, single submitter. Criteria: HEMA Variant Classification Assertion Criteria. Collection method: clinical testing. Allele origin: germline.
Comment: It is a transversion from cytosine to adenine, resulting in the substitution of histidine 2552 with asparagine in the ATM protein. PM2_Supporting: Absent in the gnomAD database.

Ambry Genetics
Classification: Uncertain significance for Hereditary cancer-predisposing syndrome. Last evaluated: 2024-03-27. Review status: criteria provided, single submitter. Criteria: Ambry Variant Classification Scheme 2023. Collection method: clinical testing. Allele origin: germline.
Comment: The p.H2552N variant (also known as c.7654C>A), located in coding exon 51 of the ATM gene, results from a C to A substitution at nucleotide position 7654. The histidine at codon 2552 is replaced by asparagine, an amino acid with some similar properties. This amino acid position is highly conserved in available vertebrate species. In addition, the in silico prediction for this alteration is inconclusive. Since supporting evidence is limited at this time, the clinical significance of this alteration remains unclear.

Labcorp Genetics (formerly Invitae), Labcorp
Classification: Uncertain significance for Ataxia-telangiectasia syndrome. Last evaluated: 2023-02-08. Review status: criteria provided, single submitter. Criteria: Invitae Variant Classification Sherloc (09022015). Collection method: clinical testing. Allele origin: germline.
Comment: In summary, the available evidence is currently insufficient to determine the role of this variant in disease. Therefore, it has been classified as a Variant of Uncertain Significance. Algorithms developed to predict the effect of missense changes on protein structure and function (SIFT, PolyPhen-2, Align-GVGD) all suggest that this variant is likely to be disruptive. ClinVar contains an entry for this variant (Variation ID: 185440). This variant has not been reported in the literature in individuals affected with ATM-related conditions. This variant is not present in population databases (gnomAD no frequency). This sequence change replaces histidine, which is basic and polar, with asparagine, which is neutral and polar, at codon 2552 of the ATM protein (p.His2552Asn).

Department of Pathology and Laboratory Medicine, Sinai Health System
Classification: Uncertain significance for Malignant tumor of breast. Review status: no assertion criteria provided. Collection method: clinical testing. Allele origin: unknown. Affected: yes. Study: The Canadian Open Genetics Repository (COGR). Not counted in ClinVar's aggregate classification.
Comment: The ATM p.His2552Asn variant was not identified in the literature nor was it identified in the MutDB and LOVD 3.0, databases. The variant was identified in the following databases: dbSNP (ID: rs786202174) as â€šÃ„ÃºWith Uncertain significance alleleâ€šÃ„Ã¹, ClinVar and Clinvitae (reported 1x, as uncertain significance by Ambry Genetics), Cosmic (1x , confirmed somatic in adenocarcinoma of large intestine). The variant was not identified in the following control databases: the 1000 Genomes Project, the NHLBI GO Exome Sequencing Project, the Exome Aggregation Consortium (August 8th 2016), or the Genome Aggregation Database (Feb 27, 2017). The p.His2552 residue is conserved in across mammals and other organisms; however computational analyses (PolyPhen-2, SIFT, AlignGVGD, BLOSUM, MutationTaster) do not suggest a high likelihood of impact to the protein; this information is not predictive enough to rule out pathogenicity. The variant occurs outside of the splicing consensus sequence and in silico or computational prediction software programs (SpliceSiteFinder, MaxEntScan, NNSPLICE, GeneSplicer, HumanSpliceFinder) do not predict a difference in splicing. In summary, based on the above information the clinical significance of this variant cannot be determined with certainty at this time. This variant is classified as a variant of uncertain significance.

Department of Pathology and Laboratory Medicine, Sinai Health System
Classification: Uncertain significance for Malignant tumor of thyroid gland. Review status: no assertion criteria provided. Collection method: clinical testing. Allele origin: unknown. Affected: yes. Study: The Canadian Open Genetics Repository (COGR). Not counted in ClinVar's aggregate classification.
Comment: the same text as in the submission from Department of Pathology and Laboratory Medicine, Sinai Health System above.